The following is an entry in ClinVar:

ClinVar aggregate classification (germline): Uncertain significance. Review status: criteria provided, multiple submitters, no conflicts (2 of 4 stars). 3 submissions from 3 submitters: Uncertain significance (3). Last evaluated 2023-06-30.

Allele frequency attached by ClinVar (database versions not stated): ExAC 0.00002; gnomAD 0.00002; gnomAD exomes 0.00002; TOPMed 0.00002; ESP Exome Variant Server 0.00008; 1000 Genomes Project 30x 0.00016; 1000 Genomes Project 0.00020.
gnomAD v4.1: 37 of 1,602,998 alleles (0.0023%); highest among the groups gnomAD compares: South Asian, 0.0044%; no homozygotes.

Submissions (3):

Ambry Genetics
Classification: Uncertain significance. Last evaluated: 2023-06-30. Review status: criteria provided, single submitter. Criteria: Ambry Variant Classification Scheme 2023. Collection method: clinical testing. Allele origin: germline.

Labcorp Genetics (formerly Invitae), Labcorp
Classification: Uncertain significance. Last evaluated: 2022-06-14. Review status: criteria provided, single submitter. Criteria: Invitae Variant Classification Sherloc (09022015). Collection method: clinical testing. Allele origin: germline.
Comment: In summary, the available evidence is currently insufficient to determine the role of this variant in disease. Therefore, it has been classified as a Variant of Uncertain Significance. Algorithms developed to predict the effect of missense changes on protein structure and function (SIFT, PolyPhen-2, Align-GVGD) all suggest that this variant is likely to be tolerated. This variant has not been reported in the literature in individuals affected with RAB28-related conditions. This variant is present in population databases (rs148745354, gnomAD 0.007%). This sequence change replaces threonine, which is neutral and polar, with methionine, which is neutral and non-polar, at codon 30 of the RAB28 protein (p.Thr30Met).

Blueprint Genetics
Classification: Uncertain significance. Last evaluated: 2019-09-27. Review status: criteria provided, single submitter. Criteria: ACMG Guidelines, 2015. Collection method: clinical testing. Allele origin: germline.

NM_001017979.3(RAB28):c.89C>T (p.Thr30Met)

Gene: RAB28 (RAB28, member RAS oncogene family; minus strand). Cytogenetic location: 4p15.33.
Variant type: single nucleotide variant.
Coding change: c.89C>T on transcript NM_001017979.3 (MANE Select); coding-DNA position 89, C replaced by T.
Protein change: p.Thr30Met; replaces threonine 30 with methionine.
Molecular consequence: missense variant.
Genome position (GRCh38, 1-based): chr4:13,479,513, G>A on the plus strand (C>T on the coding strand, the complement: RAB28 is on the minus strand). VCF-style: chr4-13479513-G-A. GRCh37 (hg19) VCF-style: chr4-13481137-G-A.
Other names: c.89C>T, p.Thr30Met (NM_001159601.2, NM_004249.4); c.89C>T (NM_001017979.2); short protein forms T30M.
Identifiers: ClinVar variation 1981132 (VCV001981132.5), dbSNP rs148745354, ClinGen allele CA2860219.